The following is an entry in ClinVar:

ClinVar aggregate classification (germline): Uncertain significance (1 of 4 stars; one submission).

Submission:

GeneDx
Classification: Uncertain significance. Last evaluated: 2024-08-28. Review status: criteria provided, single submitter. Criteria: GeneDx Variant Classification Process June 2021. Collection method: clinical testing. Allele origin: germline. Affected: yes.
Comment: Not observed at significant frequency in large population cohorts (gnomAD); In silico analysis supports that this missense variant has a deleterious effect on protein structure/function; Has not been previously published as pathogenic or benign to our knowledge

NM_013275.6(ANKRD11):c.7636G>A (p.Ala2546Thr)

Gene: ANKRD11 (ankyrin repeat domain containing 11; minus strand). Cytogenetic location: 16q24.3.
Variant type: single nucleotide variant.
Coding change: c.7636G>A on transcript NM_013275.6 (MANE Select); coding-DNA position 7636, G replaced by A.
Protein change: p.Ala2546Thr; replaces alanine 2546 with threonine.
Molecular consequence: missense variant.
Genome position (GRCh38, 1-based): chr16:89,274,891, C>T on the plus strand (G>A on the coding strand, the complement: ANKRD11 is on the minus strand). VCF-style: chr16-89274891-C-T. GRCh37 (hg19) VCF-style: chr16-89341299-C-T.
Other names: c.7636G>A, p.Ala2546Thr (NM_001256182.2, NM_001256183.2); short protein forms A2546T.
Identifiers: ClinVar variation 3766365 (VCV003766365.1).
Genomic context (GRCh38, chr16:89,274,891, plus strand): 5'-TGTTGTAGACCTCGGAGTCCAGCAGCATCGTGCAGGCGCTGAATGGCACTGCCTGGTTGG[C>T]GATGGTCCTGGCCGCCCGGCAGTGAACCCGCAGAATCTCCTGCTCACAGGATACGATCAG-3'
Protein context (NP_037407.4, residues 2536-2556): RVHCRAARTI[Ala2546Thr]NQAVPFSACT